The following is an entry in ClinVar:

NM_001145809.2(MYH14):c.5964C>T (p.Arg1988=)

Gene: MYH14 (myosin heavy chain 14; plus strand). Cytogenetic location: 19q13.33.
Variant type: single nucleotide variant.
Coding change: c.5964C>T on transcript NM_001145809.2 (MANE Select); coding-DNA position 5964, C replaced by T.
Protein change: p.Arg1988=; no amino-acid change (arginine 1988 retained).
Molecular consequence: synonymous variant.
Genome position (GRCh38, 1-based): chr19:50,309,643, C>T. VCF-style: chr19-50309643-C-T. GRCh37 (hg19) VCF-style: chr19-50812900-C-T.
Other names: c.5865C>T, p.Arg1955= (NM_001077186.2); c.5841C>T, p.Arg1947= (NM_024729.4); c.5964C>T (NM_001145809.1).
Identifiers: ClinVar variation 515161 (VCV000515161.32), dbSNP rs768413723, ClinGen allele CA9593971.
Genomic context (GRCh38, chr19:50,309,643, plus strand): 5'-CTCCTCCCCTCCCCTCCCCTCATTTCATCTCTGTATCCTGGTCTCTCCTCCCCACAGACG[C>T]GGCCCCCTCACCTTCACCACCCGCACGGTGCGCCAGGTCTTCCGACTAGAGGAGGGCGTG-3'
Protein context (NP_001139281.1, residues 1978-1998): EVTTLRNRLR[Arg1988=]GPLTFTTRTV

ClinVar aggregate classification (germline): Benign/Likely benign. Review status: criteria provided, multiple submitters, no conflicts (2 of 4 stars). 4 submissions from 4 submitters: Benign (1); Likely benign (2). 1 of the submissions does not count toward it. Last evaluated 2025-11-28.

Conditions:
MYH14-related disorder. Also called: MYH14-related condition.

Allele frequency attached by ClinVar (database versions not stated): gnomAD 0.00005; TOPMed 0.00010; gnomAD exomes 0.00026; ExAC 0.00028.

Submissions (4):

Labcorp Genetics (formerly Invitae), Labcorp
Classification: Benign. Last evaluated: 2025-11-28. Review status: criteria provided, single submitter. Criteria: Invitae Variant Classification Sherloc (09022015). Collection method: clinical testing. Allele origin: germline.

CeGaT Center for Human Genetics Tuebingen
Classification: Likely benign. Last evaluated: 2024-02-01. Review status: criteria provided, single submitter. Criteria: CeGaT Center For Human Genetics Tuebingen Variant Classification Criteria Version 2. Collection method: clinical testing. Allele origin: germline. Affected: yes. Observed: 1 variant allele.
Comment: MYH14: BP4, BP7

GeneDx
Classification: Likely benign. Last evaluated: 2021-01-12. Review status: criteria provided, single submitter. Criteria: GeneDx Variant Classification Process June 2021. Collection method: clinical testing. Allele origin: germline. Affected: yes.

PreventionGenetics, part of Exact Sciences
Classification: Likely benign for MYH14-related condition. Last evaluated: 2024-09-04. Review status: no assertion criteria provided. Collection method: clinical testing. Allele origin: germline. Not counted in ClinVar's aggregate classification.
Comment: This variant is classified as likely benign based on ACMG/AMP sequence variant interpretation guidelines (Richards et al. 2015 PMID: 25741868, with internal and published modifications).